The following is an entry in ClinVar:

ClinVar aggregate classification (germline): Uncertain significance (1 of 4 stars; one submission).

Allele frequency attached by ClinVar (database versions not stated): TOPMed below 0.00001; ExAC 0.00002.
gnomAD v4.1: 3 of 1,614,178 alleles (0.00019%); highest among the groups gnomAD compares: Admixed American, 0.0033%; no homozygotes.

Submission:

Labcorp Genetics (formerly Invitae), Labcorp
Classification: Uncertain significance. Last evaluated: 2023-07-30. Review status: criteria provided, single submitter. Criteria: Invitae Variant Classification Sherloc (09022015). Collection method: clinical testing. Allele origin: germline.
Comment: This sequence change affects codon 378 of the EMC1 mRNA. It is a 'silent' change, meaning that it does not change the encoded amino acid sequence of the EMC1 protein. This variant is present in population databases (rs778470143, gnomAD 0.006%). This variant has not been reported in the literature in individuals affected with EMC1-related conditions. Algorithms developed to predict the effect of sequence changes on RNA splicing suggest that this variant may create or strengthen a splice site. In summary, the available evidence is currently insufficient to determine the role of this variant in disease. Therefore, it has been classified as a Variant of Uncertain Significance.

NM_015047.3(EMC1):c.1134C>T (p.Tyr378=)

Genes: EMC1 (ER membrane protein complex subunit 1; minus strand), EMC1-AS1 (EMC1 antisense RNA 1; plus strand). Cytogenetic location: 1p36.13.
Variant type: single nucleotide variant.
Coding change: c.1134C>T on transcript NM_015047.3 (MANE Select); coding-DNA position 1134, C replaced by T.
Protein change: p.Tyr378=; no amino-acid change (tyrosine 378 retained).
Molecular consequence: synonymous variant.
Genome position (GRCh38, 1-based): chr1:19,238,095, G>A on the plus strand (C>T on the coding strand, the complement: EMC1 is on the minus strand). VCF-style: chr1-19238095-G-A. GRCh37 (hg19) VCF-style: chr1-19564589-G-A.
Other names: c.1131C>T, p.Tyr377= (NM_001271427.2, NM_001375821.1); c.1134C>T, p.Tyr378= (NM_001271428.2, NM_001375820.1); c.1068C>T, p.Tyr356= (NM_001271429.2).
Identifiers: ClinVar variation 2971598 (VCV002971598.3), dbSNP rs778470143, ClinGen allele CA652657.